The following is an entry in ClinVar:

ClinVar aggregate classification (germline): Uncertain significance (1 of 4 stars; one submission).

Conditions:
Hereditary cancer-predisposing syndrome. Also called: Tumor predisposition; Neoplastic Syndromes, Hereditary; Hereditary neoplastic syndrome; Hereditary Cancer Syndrome. Identifiers: Orphanet 140162, MedGen C0027672, MeSH D009386, MONDO:0015356.

Allele frequency attached by ClinVar (database versions not stated): TOPMed below 0.00001.

Submission:

Ambry Genetics
Classification: Uncertain significance for Hereditary cancer-predisposing syndrome. Last evaluated: 2026-03-19. Review status: criteria provided, single submitter. Criteria: Ambry Variant Classification Scheme 2023. Collection method: clinical testing. Allele origin: germline.
Comment: The c.6842-1G>C intronic variant results from a G to C substitution one nucleotide upstream from coding exon 11 of the BRCA2 gene. This nucleotide position is highly conserved in available vertebrate species. Variants that disrupt the canonical splice site are expected to result in aberrant splicing. In silico splice site analysis predicts that this alteration will weaken the native splice acceptor site. A resulting transcript is predicted to be in-frame and is not expected to trigger nonsense-mediated mRNA decay. RNA studies have demonstrated that this alteration as well as close match splicing alterations involving this exon result in an increase in a transcript predicted to lead to a protein with an in-frame deletion of coding exon 11 (also known as exon 12 in the literature; Ambry internal data; Meulemans L et al. Cancer Res, 2020 Apr;80:1374-1386). This exon may be clinically dispensable based on partially retained homology directed DNA repair activity (Meulemans L et al. Cancer Res, 2020 Apr;80:1374-1386). In addition, the literature describes a patient with a splice variant causing coding exon 11 skipping variant in trans with a truncating BRCA2 variant in an individual without apparent Fanconi Anemia; although the degree of exon skipping is uncertain (Li L et al. Hum Mutat, 2009 Nov;30:1543-50). Thus, the clinical impact of this variant and its resulting protein cannot be predicted. Since supporting evidence is limited at this time, the clinical significance of this alteration remains unclear.

Literature cited by the submitters: PubMed 19795481; PubMed 32046981.

NM_000059.4(BRCA2):c.6842-1G>C

Gene: BRCA2 (BRCA2 DNA repair associated; plus strand). Cytogenetic location: 13q13.1.
Variant type: single nucleotide variant.
Coding change: c.6842-1G>C on transcript NM_000059.4 (MANE Select); the canonical splice acceptor site of the intron before coding-DNA position 6842, G replaced by C.
Molecular consequence: splice acceptor variant. On other transcripts: intron variant (1).
Genome position (GRCh38, 1-based): chr13:32,344,557, G>C. VCF-style: chr13-32344557-G-C. GRCh37 (hg19) VCF-style: chr13-32918694-G-C.
Other names: c.6842-1G>C (NM_001406720.1); c.6842-2270G>C (NM_001406719.1); c.1910-1G>C (NM_001406721.1); c.425-1G>C (NM_001406722.1).
Identifiers: ClinVar variation 826661 (VCV000826661.6), dbSNP rs876658551, ClinGen allele CA387792598.